The following is an entry in ClinVar:

NM_025179.4(PLXNA2):c.1315G>A (p.Val439Ile)

Gene: PLXNA2 (plexin A2; minus strand). Cytogenetic location: 1q32.2.
Variant type: single nucleotide variant.
Coding change: c.1315G>A on transcript NM_025179.4 (MANE Select); coding-DNA position 1315, G replaced by A.
Protein change: p.Val439Ile; replaces valine 439 with isoleucine.
Molecular consequence: missense variant.
Genome position (GRCh38, 1-based): chr1:208,210,336, C>T on the plus strand (G>A on the coding strand, the complement: PLXNA2 is on the minus strand). VCF-style: chr1-208210336-C-T. GRCh37 (hg19) VCF-style: chr1-208383681-C-T.
Other names: c.1315G>A (NM_025179.3); short protein forms V439I.
Identifiers: ClinVar variation 1903772 (VCV001903772.7), dbSNP rs561320692, ClinGen allele CA1373919.

ClinVar aggregate classification (germline): Uncertain significance. Review status: criteria provided, single submitter (1 of 4 stars). 2 submissions from 2 submitters: Uncertain significance (1). 1 of the submissions does not count toward it. Last evaluated 2024-08-12.

Conditions:
PLXNA2-related disorder. Also called: PLXNA2-related condition.

Allele frequency attached by ClinVar (database versions not stated): TOPMed 0.00003; gnomAD 0.00005; ExAC 0.00015; 1000 Genomes Project 0.00040; 1000 Genomes Project 30x 0.00062.
gnomAD v4.1: 207 of 1,613,968 alleles (0.013%); highest among the groups gnomAD compares: South Asian, 0.18%; 1 homozygote.

Submissions (2):

Labcorp Genetics (formerly Invitae), Labcorp
Classification: Uncertain significance. Last evaluated: 2024-08-12. Review status: criteria provided, single submitter. Criteria: Invitae Variant Classification Sherloc (09022015). Collection method: clinical testing. Allele origin: germline.
Comment: This sequence change replaces valine, which is neutral and non-polar, with isoleucine, which is neutral and non-polar, at codon 439 of the PLXNA2 protein (p.Val439Ile). This variant is present in population databases (rs561320692, gnomAD 0.2%), and has an allele count higher than expected for a pathogenic variant. This variant has not been reported in the literature in individuals affected with PLXNA2-related conditions. ClinVar contains an entry for this variant (Variation ID: 1903772). Advanced modeling of protein sequence and biophysical properties (such as structural, functional, and spatial information, amino acid conservation, physicochemical variation, residue mobility, and thermodynamic stability) performed at Invitae indicates that this missense variant is not expected to disrupt PLXNA2 protein function with a negative predictive value of 80%. In summary, the available evidence is currently insufficient to determine the role of this variant in disease. Therefore, it has been classified as a Variant of Uncertain Significance.

PreventionGenetics, part of Exact Sciences
Classification: Likely benign for PLXNA2-related condition. Last evaluated: 2022-05-10. Review status: no assertion criteria provided. Collection method: clinical testing. Allele origin: germline. Not counted in ClinVar's aggregate classification.
Comment: This variant is classified as likely benign based on ACMG/AMP sequence variant interpretation guidelines (Richards et al. 2015 PMID: 25741868, with internal and published modifications).